The following is an entry in ClinVar:

ClinVar aggregate classification (germline): Likely benign (1 of 4 stars; one submission).

Conditions:
Colorectal cancer, susceptibility to, 12 (CRCS12). Also called: COLORECTAL CANCER, SUSCEPTIBILITY TO, ON CHROMOSOME 12q24. Identifiers: Orphanet 220460, MedGen C3554460, MONDO:0014038, OMIM 615083.

Submission:

Myriad Genetics, Inc.
Classification: Likely benign for Colorectal cancer, susceptibility to, 12. Last evaluated: 2025-02-11. Review status: criteria provided, single submitter. Criteria: Myriad Autosomal Dominant, Autosomal Recessive and X-Linked Classification Criteria (2023). Collection method: clinical testing. Allele origin: unknown.
Comment: This variant is considered likely benign. This variant is intronic and is not expected to impact mRNA splicing.

NM_006231.4(POLE):c.1360-20C>T

Gene: POLE (DNA polymerase epsilon, catalytic subunit; minus strand). Cytogenetic location: 12q24.33.
Variant type: single nucleotide variant.
Coding change: c.1360-20C>T on transcript NM_006231.4 (MANE Select); 20 bases into the intron before coding-DNA position 1360, C replaced by T.
Molecular consequence: intron variant.
Genome position (GRCh38, 1-based): chr12:132,673,297, G>A on the plus strand (C>T on the coding strand, the complement: POLE is on the minus strand). VCF-style: chr12-132673297-G-A. GRCh37 (hg19) VCF-style: chr12-133249883-G-A.
Identifiers: ClinVar variation 3904345 (VCV003904345.1).